The following is an entry in ClinVar:

ClinVar aggregate classification (germline): Pathogenic/Likely pathogenic. Review status: criteria provided, multiple submitters, no conflicts (2 of 4 stars). 6 submissions from 6 submitters: Pathogenic (5); Likely pathogenic (1). Last evaluated 2025-01-25.

Conditions:
Methylcobalamin deficiency type cblE (HMAE). Also called: HOMOCYSTINURIA-MEGALOBLASTIC ANEMIA, cblE COMPLEMENTATION TYPE; VITAMIN B12-RESPONSIVE HOMOCYSTINURIA, cblE TYPE; HOMOCYSTINURIA-MEGALOBLASTIC ANEMIA, cblE TYPE. Identifiers: Orphanet 2169, Orphanet 622, MedGen C1856057, MONDO:0009354, OMIM 236270.
Neural tube defects, folate-sensitive (NTDFS). Also called: NTD, FOLATE-SENSITIVE. Identifiers: Orphanet 823, MedGen C1866558, MONDO:0011120, OMIM 601634.
Homocystinuria without methylmalonic aciduria. Identifiers: Orphanet 622, MedGen C4303479, MONDO:0018964.

Allele frequency attached by ClinVar (database versions not stated): gnomAD exomes 0.00002 and 0.00003; ExAC 0.00001; gnomAD 0.00001 and 0.00002; TOPMed 0.00001.

Submissions (6):

Natera, Inc.
Classification: Likely pathogenic for CblE complementation type homocystinuria-megaloblastic anemia due to defect in cobalamin metabolism. Last evaluated: 2025-01-25. Review status: criteria provided, single submitter. Criteria: Natera Variant Classification Schema (03/2026). Collection method: clinical testing. Allele origin: germline.
Comment: The c.340C>T variant in MTRR is a nonsense variant predicted to introduce a stop codon at amino acid 114. This variant is expected to result in nonsense mediated decay, truncation, or a dysfunctional protein product. This variant is rare in the general population with a frequency below the threshold expected for the associated phenotype(s). Given the available evidence, this variant is classified as Likely Pathogenic.

Fulgent Genetics
Classification: Pathogenic for Methylcobalamin deficiency type cblE; Neural tube defects, folate-sensitive. Last evaluated: 2024-05-16. Review status: criteria provided, single submitter. Criteria: ACMG Guidelines, 2015. Collection method: clinical testing. Allele origin: germline.

Baylor Genetics
Classification: Pathogenic for Neural tube defects, folate-sensitive. Last evaluated: 2024-02-22. Review status: criteria provided, single submitter. Criteria: ACMG Guidelines, 2015. Collection method: clinical testing. Allele origin: unknown.

Labcorp Genetics (formerly Invitae), Labcorp
Classification: Pathogenic for Methylcobalamin deficiency type cblE. Last evaluated: 2024-02-06. Review status: criteria provided, single submitter. Criteria: Invitae Variant Classification Sherloc (09022015). Collection method: clinical testing. Allele origin: germline.
Comment: This sequence change creates a premature translational stop signal (p.Arg114*) in the MTRR gene. It is expected to result in an absent or disrupted protein product. Loss-of-function variants in MTRR are known to be pathogenic (PMID: 15714522). This variant is present in population databases (rs754990692, gnomAD 0.01%). This premature translational stop signal has been observed in individual(s) with MTRR-related conditions (PMID: 10484769). ClinVar contains an entry for this variant (Variation ID: 666994). For these reasons, this variant has been classified as Pathogenic.

Mendelics
Classification: Pathogenic for Methylcobalamin deficiency type cblE. Last evaluated: 2022-05-04. Review status: criteria provided, single submitter. Criteria: Mendelics Assertion Criteria 2019. Collection method: clinical testing. Allele origin: germline.

Laboratory for Molecular Medicine, Mass General Brigham Personalized Medicine
Classification: Pathogenic for Homocystinuria without methylmalonic aciduria. Last evaluated: 2016-02-19. Review status: criteria provided, single submitter. Criteria: LMM Criteria. Collection method: clinical testing. Allele origin: germline. Inheritance: Autosomal recessive inheritance. Observed: 1 variant allele.
Comment: The p.Arg141X variant in MTRR has been reported in 1 compound heterozygous indiv idual with homocystinuria/megaloblastic anemia cb1E complementation type (Wilson 1999) and has been identified in 1/66738 of European chromosomes by the Exome A ggregation Consortium (ExAC). This nonsense vari ant leads to a premature termination codon at position 141, which is predicted t o lead to a truncated or absent protein. In summary, this variant meets our crit eria to be classified as pathogenic for homocystinuria/megaloblastic anemia cb1E complementation type in an autosomal recessive manner.

Literature cited by the submitters: PubMed 15714522 (cited by Labcorp Genetics (formerly Invitae), Labcorp); PubMed 10484769 (cited by Labcorp Genetics (formerly Invitae), Labcorp and Laboratory for Molecular Medicine, Mass General Brigham Personalized Medicine).

NM_002454.3(MTRR):c.340C>T (p.Arg114Ter)

Gene: MTRR (5-methyltetrahydrofolate-homocysteine methyltransferase reductase; plus strand). Cytogenetic location: 5p15.31.
Variant type: single nucleotide variant.
Coding change: c.340C>T on transcript NM_002454.3 (MANE Select); coding-DNA position 340, C replaced by T.
Protein change: p.Arg114Ter; replaces arginine 114 with a stop codon.
Molecular consequence: nonsense. On other transcripts: non-coding transcript variant (14).
Genome position (GRCh38, 1-based): chr5:7,875,314, C>T. VCF-style: chr5-7875314-C-T. GRCh37 (hg19) VCF-style: chr5-7875427-C-T.
Other names: c.340C>T (NM_002454.2); c.340C>T, p.Arg114Ter (NM_001364440.2, NM_001364441.2, NM_001364442.2 and 1 more transcripts); short protein forms R114*.
Identifiers: ClinVar variation 666994 (VCV000666994.16), dbSNP rs754990692, ClinGen allele CA3195564.